The following is an entry in ClinVar:

ClinVar aggregate classification (germline): Benign/Likely benign. Review status: criteria provided, multiple submitters, no conflicts (2 of 4 stars). 6 submissions from 6 submitters: Benign (1); Likely benign (5). Last evaluated 2026-01-29.

Conditions:
Inborn genetic diseases. Identifiers: MedGen C0950123, MeSH D030342.
Schuurs-Hoeijmakers syndrome. Also called: PACS1-Related Neurodevelopmental Disorder. Identifiers: Orphanet 329224, MedGen C3554343, MONDO:0014006, OMIM 615009.

Allele frequency attached by ClinVar (database versions not stated): gnomAD exomes 0.00003 and 0.00015; ESP Exome Variant Server 0.00008; gnomAD 0.00011 and 0.00012; 1000 Genomes Project 30x 0.00016; ExAC 0.00016; TOPMed 0.00023.
gnomAD v4.1: 138 of 1,613,446 alleles (0.0086%); highest among the groups gnomAD compares: East Asian, 0.065%; 1 homozygote.

Submissions (6):

Labcorp Genetics (formerly Invitae), Labcorp
Classification: Likely benign for Schuurs-Hoeijmakers syndrome. Last evaluated: 2026-01-29. Review status: criteria provided, single submitter. Criteria: Invitae Variant Classification Sherloc (09022015). Collection method: clinical testing. Allele origin: germline.

Blueprint Genetics
Classification: Likely benign. Last evaluated: 2024-10-28. Review status: criteria provided, single submitter. Criteria: ACMG Guidelines, 2015. Collection method: clinical testing. Allele origin: germline.

Center for Genomics, Ann and Robert H. Lurie Children's Hospital of Chicago
Classification: Likely benign for Schuurs-Hoeijmakers syndrome. Last evaluated: 2022-09-15. Review status: criteria provided, single submitter. Criteria: ACMG Guidelines, 2015. Collection method: clinical testing. Allele origin: germline.
Comment: This variant has not been reported in the literature but is present in the Genome Aggregation Database (Highest reported MAF 0.01% (3/15282). This variant is present in ClinVar, with multiple labs classifying this variant as Likely benign or Benign (Variation ID:772157). Evolutionary conservation and computational predictive tools for this variant are limited or unavailable. This variant is an intronic variant with no predicted change in the amino acid sequence but may have an unknown effect on splicing. Computational prediction tools do not suggest that it alters splicing. However, further studies are needed to understand its impact. In summary, data on this variant suggests that this variant does not cause disease but requires further evidence. Therefore, this variant is classified as likely benign.

Ambry Genetics
Classification: Likely benign for Inborn genetic diseases. Last evaluated: 2022-06-17. Review status: criteria provided, single submitter. Criteria: Ambry Variant Classification Scheme 2023. Collection method: clinical testing. Allele origin: germline.

GeneDx
Classification: Benign. Last evaluated: 2019-07-12. Review status: criteria provided, single submitter. Criteria: GeneDx Variant Classification Process June 2021. Collection method: clinical testing. Allele origin: germline. Affected: yes.

Genetic Services Laboratory, University of Chicago
Classification: Likely benign. Last evaluated: 2019-01-14. Review status: criteria provided, single submitter. Criteria: ACMG Guidelines, 2015. Collection method: clinical testing. Allele origin: germline. Affected: no.

NM_018026.4(PACS1):c.1293+6C>T

Gene: PACS1 (phosphofurin acidic cluster sorting protein 1; plus strand). Cytogenetic location: 11q13.2.
Variant type: single nucleotide variant.
Coding change: c.1293+6C>T on transcript NM_018026.4 (MANE Select); 6 bases into the intron after coding-DNA position 1293, C replaced by T.
Molecular consequence: intron variant.
Genome position (GRCh38, 1-based): chr11:66,221,253, C>T. VCF-style: chr11-66221253-C-T. GRCh37 (hg19) VCF-style: chr11-65988724-C-T.
Other names: c.1293+6C>T (NM_018026.2).
Identifiers: ClinVar variation 772157 (VCV000772157.18), dbSNP rs369639320, ClinGen allele CA6116519.
Genomic context (GRCh38, chr11:66,221,253, plus strand): 5'-GGAGATTGGCAGCCTCAACAGCAAAGGCAGCCTCGGAAAAGACACCACCAGCCCTGTGAG[C>T]GCAACCGCGACTGCGGGGCGGGGTGGGACCGTGGCATGTCAGGGCTCGACGCTCTGGCCC-3'